The following is an entry in ClinVar:

ClinVar aggregate classification (germline): Uncertain significance (1 of 4 stars; one submission).

Conditions:
Inborn genetic diseases. Identifiers: MedGen C0950123, MeSH D030342.

Submission:

Ambry Genetics
Classification: Uncertain significance for Inborn genetic diseases. Last evaluated: 2025-04-14. Review status: criteria provided, single submitter. Criteria: Ambry Variant Classification Scheme 2023. Collection method: clinical testing. Allele origin: germline.
Comment: The p.E153Q variant (also known as c.457G>C), located in coding exon 1 of the SH2B3 gene, results from a G to C substitution at nucleotide position 457. The glutamic acid at codon 153 is replaced by glutamine, an amino acid with highly similar properties. This amino acid position is conserved. In addition, this alteration is predicted to be tolerated by in silico analysis. Based on the available evidence, the clinical significance of this variant remains unclear.

NM_005475.3(SH2B3):c.457G>C (p.Glu153Gln)

Gene: SH2B3 (SH2B adaptor protein 3; plus strand). Cytogenetic location: 12q24.12.
Variant type: single nucleotide variant.
Coding change: c.457G>C on transcript NM_005475.3 (MANE Select); coding-DNA position 457, G replaced by C.
Protein change: p.Glu153Gln; replaces glutamic acid 153 with glutamine.
Molecular consequence: missense variant.
Genome position (GRCh38, 1-based): chr12:111,418,602, G>C. VCF-style: chr12-111418602-G-C. GRCh37 (hg19) VCF-style: chr12-111856406-G-C.
Other names: short protein forms E153Q.
Identifiers: ClinVar variation 3953450 (VCV003953450.1).